The following is an entry in ClinVar:

ClinVar aggregate classification (germline): Uncertain significance. Review status: criteria provided, multiple submitters, no conflicts (2 of 4 stars). 4 submissions from 4 submitters: Uncertain significance (4). Last evaluated 2026-01-01.

Conditions:
Autosomal recessive Alport syndrome (ATS2). Also called: Alport syndrome type 2; COL4A3-Related Nephropathy; ALPORT SYNDROME 2, AUTOSOMAL RECESSIVE; COL4A4 Alport Syndrome and Thin Basement Membrane Nephropathy. Identifiers: Orphanet 63, Orphanet 88919, MedGen C4746745, MONDO:0008762, OMIM 203780.
Benign familial hematuria. Also called: thin basement membrane disease. Identifiers: MedGen C0241908, MONDO:0957317.

Allele frequency attached by ClinVar (database versions not stated): TOPMed below 0.00001; gnomAD 0.00001 and 0.00002; gnomAD exomes 0.00001 and 0.00002; ExAC 0.00002; 1000 Genomes Project 30x 0.00031; 1000 Genomes Project 0.00040.
gnomAD v4.1: 19 of 1,614,084 alleles (0.0012%); highest among the groups gnomAD compares: Admixed American, 0.032%; no homozygotes.

Submissions (4):

Labcorp Genetics (formerly Invitae), Labcorp
Classification: Uncertain significance. Last evaluated: 2026-01-01. Review status: criteria provided, single submitter. Criteria: Invitae Variant Classification Sherloc (09022015). Collection method: clinical testing. Allele origin: germline.
Comment: This sequence change replaces cysteine, which is neutral and slightly polar, with phenylalanine, which is neutral and non-polar, at codon 55 of the COL4A4 protein (p.Cys55Phe). This variant is present in population databases (rs570529667, gnomAD 0.01%). This variant has not been reported in the literature in individuals affected with COL4A4-related conditions. ClinVar contains an entry for this variant (Variation ID: 1405021). Invitae Evidence Modeling of protein sequence and biophysical properties (such as structural, functional, and spatial information, amino acid conservation, physicochemical variation, residue mobility, and thermodynamic stability) indicates that this missense variant is not expected to disrupt COL4A4 protein function with a negative predictive value of 95%. In summary, the available evidence is currently insufficient to determine the role of this variant in disease. Therefore, it has been classified as a Variant of Uncertain Significance.

GeneDx
Classification: Uncertain significance. Last evaluated: 2023-03-02. Review status: criteria provided, single submitter. Criteria: GeneDx Variant Classification Process June 2021. Collection method: clinical testing. Allele origin: germline. Affected: yes.
Comment: In silico analysis supports that this missense variant has a deleterious effect on protein structure/function; Has not been previously published as pathogenic or benign to our knowledge

Fulgent Genetics
Classification: Uncertain significance for Hematuria, benign familial, 1; Autosomal recessive Alport syndrome. Last evaluated: 2021-07-27. Review status: criteria provided, single submitter. Criteria: ACMG Guidelines, 2015. Collection method: clinical testing. Allele origin: unknown.

AiLife Diagnostics
Classification: Uncertain significance. Last evaluated: 2021-06-04. Review status: criteria provided, single submitter. Criteria: ACMG Guidelines, 2015. Collection method: clinical testing. Allele origin: germline. Affected: yes. Observed: 1 variant allele.

NM_000092.5(COL4A4):c.164G>T (p.Cys55Phe)

Gene: COL4A4 (collagen type IV alpha 4 chain; minus strand). Cytogenetic location: 2q36.3.
Variant type: single nucleotide variant.
Coding change: c.164G>T on transcript NM_000092.5 (MANE Select); coding-DNA position 164, G replaced by T.
Protein change: p.Cys55Phe; replaces cysteine 55 with phenylalanine.
Molecular consequence: missense variant.
Genome position (GRCh38, 1-based): chr2:227,140,189, C>A on the plus strand (G>T on the coding strand, the complement: COL4A4 is on the minus strand). VCF-style: chr2-227140189-C-A. GRCh37 (hg19) VCF-style: chr2-228004905-C-A.
Other names: c.164G>T (NM_000092.4); short protein forms C55F.
Identifiers: ClinVar variation 1405021 (VCV001405021.7), dbSNP rs570529667, ClinGen allele CA2145773.